The following is an entry in ClinVar:

ClinVar aggregate classification (germline): Uncertain significance. Review status: criteria provided, multiple submitters, no conflicts (2 of 4 stars). 3 submissions from 3 submitters: Uncertain significance (2). 1 of the submissions does not count toward it. Last evaluated 2022-07-19.

Conditions:
Joubert syndrome 21 (JBTS21). Identifiers: MedGen C3810212, MONDO:0014288, OMIM 615636.
Inborn genetic diseases. Identifiers: MedGen C0950123, MeSH D030342.
CSPP1-related disorder. Also called: CSPP1-related condition.

Allele frequency attached by ClinVar (database versions not stated): TOPMed 0.00005; gnomAD 0.00007.
gnomAD v4.1: 126 of 1,613,392 alleles (0.0078%); highest among the groups gnomAD compares: Non-Finnish European, 0.011%; no homozygotes.

Submissions (3):

Labcorp Genetics (formerly Invitae), Labcorp
Classification: Uncertain significance for Joubert syndrome 21. Last evaluated: 2022-07-19. Review status: criteria provided, single submitter. Criteria: Invitae Variant Classification Sherloc (09022015). Collection method: clinical testing. Allele origin: germline.
Comment: This sequence change replaces proline, which is neutral and non-polar, with arginine, which is basic and polar, at codon 587 of the CSPP1 protein (p.Pro587Arg). This variant is present in population databases (rs767318500, gnomAD 0.002%). This variant has not been reported in the literature in individuals affected with CSPP1-related conditions. ClinVar contains an entry for this variant (Variation ID: 1025262). Algorithms developed to predict the effect of missense changes on protein structure and function are either unavailable or do not agree on the potential impact of this missense change (SIFT: "Tolerated"; PolyPhen-2: "Possibly Damaging"; Align-GVGD: "Class C0"). In summary, the available evidence is currently insufficient to determine the role of this variant in disease. Therefore, it has been classified as a Variant of Uncertain Significance.

Ambry Genetics
Classification: Uncertain significance for Inborn genetic diseases. Last evaluated: 2021-12-20. Review status: criteria provided, single submitter. Criteria: Ambry Variant Classification Scheme 2023. Collection method: clinical testing. Allele origin: germline.

PreventionGenetics, part of Exact Sciences
Classification: Uncertain significance for CSPP1-related condition. Last evaluated: 2024-03-13. Review status: no assertion criteria provided. Collection method: clinical testing. Allele origin: germline. Not counted in ClinVar's aggregate classification.
Comment: The CSPP1 c.1760C>G variant is predicted to result in the amino acid substitution p.Pro587Arg. To our knowledge, this variant has not been reported in the literature. This variant is reported in 0.0016% of alleles in individuals of European (Non-Finnish) descent in gnomAD. At this time, the clinical significance of this variant is uncertain due to the absence of conclusive functional and genetic evidence.

NM_001382391.1(CSPP1):c.1775C>G (p.Pro592Arg)

Gene: CSPP1 (centrosome and spindle pole associated protein 1; plus strand). Cytogenetic location: 8q13.2.
Variant type: single nucleotide variant.
Coding change: c.1775C>G on transcript NM_001382391.1 (MANE Select); coding-DNA position 1775, C replaced by G.
Protein change: p.Pro592Arg; replaces proline 592 with arginine.
Molecular consequence: missense variant.
Genome position (GRCh38, 1-based): chr8:67,132,028, C>G. VCF-style: chr8-67132028-C-G. GRCh37 (hg19) VCF-style: chr8-68044263-C-G.
Other names: c.878C>G, p.Pro293Arg (NM_001291339.2); c.1694C>G, p.Pro565Arg (NM_001363131.2); c.1733C>G, p.Pro578Arg (NM_001363132.2); c.1652C>G, p.Pro551Arg (NM_001363133.2); c.1841C>G, p.Pro614Arg (NM_001364869.1); c.1661C>G, p.Pro554Arg (NM_001364870.1); c.1760C>G, p.Pro587Arg (NM_024790.7); short protein forms P293R, P551R, P554R, P565R, P578R, P587R, P592R, P614R.
Identifiers: ClinVar variation 1025262 (VCV001025262.4), dbSNP rs767318500, ClinGen allele CA178221813.